The following is an entry in ClinVar:

NM_000212.3(ITGB3):c.2301+9C>T

Genes: EFCAB13-DT (EFCAB13 divergent transcript; minus strand), ITGB3 (integrin subunit beta 3; plus strand). Cytogenetic location: 17q21.32.
Variant type: single nucleotide variant.
Coding change: c.2301+9C>T on transcript NM_000212.3 (MANE Select); 9 bases into the intron after coding-DNA position 2301, C replaced by T.
Molecular consequence: intron variant.
Genome position (GRCh38, 1-based): chr17:47,307,646, C>T. VCF-style: chr17-47307646-C-T. GRCh37 (hg19) VCF-style: chr17-45385012-C-T.
Other names: p.?.
Identifiers: ClinVar variation 255539 (VCV000255539.22), dbSNP rs3809863, ClinGen allele CA8623491.
Genomic context (GRCh38, chr17:47,307,646, plus strand): 5'-AAAAGAATTCGCTAAATTTGAGGAAGAACGCGCCAGAGCAAAATGGGACACAGTAAGAGA[C>T]GGGGCTGGGCGTTTTCTAAAGTCATTGGTCTGAGACTCTTAAGTGGAAGCAGCAGATGCT-3'

ClinVar aggregate classification (germline): Benign. Review status: reviewed by expert panel (3 of 4 stars). 8 submissions from 8 submitters: Benign (1). 7 of the submissions do not count toward it. Last evaluated 2023-04-06.

Conditions:
Glanzmann thrombasthenia. Also called: PLATELET GLYCOPROTEIN IIb-IIIa DEFICIENCY; THROMBASTHENIA OF GLANZMANN AND NAEGELI; Glanzmann's thrombasthenia; Thrombasthenia. Identifiers: Orphanet 849, MedGen C0040015, MONDO:0100326.

Allele frequency attached by ClinVar (database versions not stated): 1000 Genomes Project 0.39896; 1000 Genomes Project 30x 0.40147; gnomAD exomes 0.42893 and 0.46339; ExAC 0.43832; TOPMed 0.44937; gnomAD 0.45625 and 0.46212; ESP Exome Variant Server 0.47901.
gnomAD v4.1: 745,350 of 1,612,228 alleles (46%); highest among the groups gnomAD compares: Non-Finnish European, 48%; 174,909 homozygotes.

Submissions (8):

ClinGen Platelet Disorders Variant Curation Expert Panel, ClinGen
Classification: Benign for Glanzmann thrombasthenia. Last evaluated: 2023-04-06. Review status: reviewed by expert panel. Criteria: ClinGen Platelet ACMG Specifications v2-1. Collection method: curation. Allele origin: germline. Inheritance: Autosomal recessive inheritance.
Comment: After a comprehensive literature search of the intronic variant NM_000212.3(ITGB3):c.2301+9C>T, no individuals with Glanzmann Thrombasthenia were reported with the variant. The variant has a high minor allele frequency of 0.4805 (11916/24800 alleles) in the African/African American population, which is higher than the ClinGen PD VCEP threshold (>0.0024), and therefore meets BA1. In silico predictor spliceAI revealed that the intronic mutation is not expected to impact splicing and a PhyloP score of -.336 shows that the nucleotide position is not highly conserved (BP4,BP7). In summary, this variant meets the criteria to be classified as Benign for autosomal recessive Glanzmann Thrombasthenia based on the ACMG/AMP criteria applied, as specified by the ClinGen PD VCEP: BA1, BP4 and BP7 (PD VCEP specifications version 2.1).

Labcorp Genetics (formerly Invitae), Labcorp
Classification: Benign. Last evaluated: 2026-02-04. Review status: criteria provided, single submitter. Criteria: Invitae Variant Classification Sherloc (09022015). Collection method: clinical testing. Allele origin: germline. Not counted in ClinVar's aggregate classification.

Blueprint Genetics
Classification: Likely benign. Last evaluated: 2024-11-28. Review status: criteria provided, single submitter. Criteria: ACMG Guidelines, 2015. Collection method: clinical testing. Allele origin: germline. Not counted in ClinVar's aggregate classification.

Mayo Clinic Laboratories, Mayo Clinic
Classification: Benign. Last evaluated: 2022-09-29. Review status: criteria provided, single submitter. Criteria: ACMG Guidelines, 2015. Collection method: clinical testing. Allele origin: germline. Observed: 372 variant alleles. Not counted in ClinVar's aggregate classification.

GeneDx
Classification: Benign. Last evaluated: 2018-09-08. Review status: criteria provided, single submitter. Criteria: GeneDx Variant Classification Process June 2021. Collection method: clinical testing. Allele origin: germline. Affected: yes. Not counted in ClinVar's aggregate classification.

Illumina Laboratory Services, Illumina
Classification: Benign for Glanzmann thrombasthenia 1. Last evaluated: 2018-01-12. Review status: criteria provided, single submitter. Criteria: ICSL Variant Classification Criteria 13 December 2019. Collection method: clinical testing. Allele origin: germline. Not counted in ClinVar's aggregate classification.
Comment: This variant was observed in the ICSL laboratory as part of a predisposition screen in an ostensibly healthy population. It had not been previously curated by ICSL or reported in the Human Gene Mutation Database (HGMD: prior to June 1st, 2018), and was therefore a candidate for classification through an automated scoring system. Utilizing variant allele frequency, disease prevalence and penetrance estimates, and inheritance mode, an automated score was calculated to assess if this variant is too frequent to cause the disease. Based on the score and internal cut-off values, a variant classified as benign is not then subjected to further curation. The score for this variant resulted in a classification of benign for this disease.

Breakthrough Genomics
Classification: Benign. Review status: criteria provided, single submitter. Criteria: ACMG Guidelines, 2015. Collection method: not provided. Allele origin: germline. Inheritance: Autosomal recessive inheritance. Affected: yes. Not counted in ClinVar's aggregate classification.

PreventionGenetics, part of Exact Sciences
Classification: Benign. Review status: criteria provided, single submitter. Criteria: ACMG Guidelines, 2015. Collection method: clinical testing. Allele origin: germline. Not counted in ClinVar's aggregate classification.